The following is an entry in ClinVar:

NM_001556.3(IKBKB):c.650C>T (p.Thr217Met)

Gene: IKBKB (inhibitor of nuclear factor kappa B kinase subunit beta; plus strand). Cytogenetic location: 8p11.21.
Variant type: single nucleotide variant.
Coding change: c.650C>T on transcript NM_001556.3 (MANE Select); coding-DNA position 650, C replaced by T.
Protein change: p.Thr217Met; replaces threonine 217 with methionine.
Molecular consequence: missense variant. On other transcripts: non-coding transcript variant (3).
Genome position (GRCh38, 1-based): chr8:42,308,983, C>T. VCF-style: chr8-42308983-C-T. GRCh37 (hg19) VCF-style: chr8-42166501-C-T.
Other names: c.458C>T, p.Thr153Met (NM_001190720.3); c.473C>T, p.Thr158Met (NM_001242778.2); short protein forms T153M, T158M, T217M.
Identifiers: ClinVar variation 959334 (VCV000959334.9), dbSNP rs201023733, ClinGen allele CA4731738.
Genomic context (GRCh38, chr8:42,308,983, plus strand): 5'-AGAAGTACACAGTGACCGTCGACTACTGGAGCTTCGGCACCCTGGCCTTTGAGTGCATCA[C>T]GGGCTTCCGGCCCTTCCTCCCCAACTGGCAGCCCGTGCAGTGGTGAGTGGGCCCGGGGCA-3'
Protein context (NP_001547.1, residues 207-227): SFGTLAFECI[Thr217Met]GFRPFLPNWQ

ClinVar aggregate classification (germline): Uncertain significance. Review status: criteria provided, multiple submitters, no conflicts (2 of 4 stars). 3 submissions from 3 submitters: Uncertain significance (3). Last evaluated 2025-08-09.

Conditions:
IKBKB-related disorder. Also called: IKBKB-related condition.
Severe combined immunodeficiency due to IKK2 deficiency. Also called: Immunodeficiency 15; IMMUNODEFICIENCY 15B. Identifiers: Orphanet 397787, MedGen C4747743, MONDO:0014267, OMIM 615592.

Allele frequency attached by ClinVar (database versions not stated): ExAC 0.00001; gnomAD exomes 0.00003 and 0.00007; gnomAD 0.00006 and 0.00007; TOPMed 0.00006.
gnomAD v4.1: 109 of 1,614,078 alleles (0.0068%); highest among the groups gnomAD compares: South Asian, 0.011%; 1 homozygote.

Submissions (3):

Labcorp Genetics (formerly Invitae), Labcorp
Classification: Uncertain significance for Severe combined immunodeficiency due to IKK2 deficiency. Last evaluated: 2025-08-09. Review status: criteria provided, single submitter. Criteria: Invitae Variant Classification Sherloc (09022015). Collection method: clinical testing. Allele origin: germline.
Comment: This sequence change replaces threonine, which is neutral and polar, with methionine, which is neutral and non-polar, at codon 217 of the IKBKB protein (p.Thr217Met). This variant is present in population databases (rs201023733, gnomAD 0.007%). This variant has not been reported in the literature in individuals affected with IKBKB-related conditions. ClinVar contains an entry for this variant (Variation ID: 959334). Invitae Evidence Modeling of protein sequence and biophysical properties (such as structural, functional, and spatial information, amino acid conservation, physicochemical variation, residue mobility, and thermodynamic stability) indicates that this missense variant is not expected to disrupt IKBKB protein function with a negative predictive value of 95%. In summary, the available evidence is currently insufficient to determine the role of this variant in disease. Therefore, it has been classified as a Variant of Uncertain Significance.

PreventionGenetics, part of Exact Sciences
Classification: Uncertain significance for IKBKB-related condition. Last evaluated: 2025-04-19. Review status: criteria provided, single submitter. Criteria: ACMG Guidelines, 2015. Collection method: clinical testing. Allele origin: germline.
Comment: The IKBKB c.650C>T variant is predicted to result in the amino acid substitution p.Thr217Met. To our knowledge, this variant has not been reported in the literature. This variant is reported in 0.0070% of alleles in individuals of European (Non-Finnish) descent in gnomAD. At this time, the clinical significance of this variant is uncertain due to the absence of conclusive functional and genetic evidence.

Blueprint Genetics
Classification: Uncertain significance. Last evaluated: 2024-11-13. Review status: criteria provided, single submitter. Criteria: ACMG Guidelines, 2015. Collection method: clinical testing. Allele origin: germline.